The following is an entry in ClinVar:

ClinVar aggregate classification (germline): Uncertain significance (1 of 4 stars; one submission).

Conditions:
Pitt-Hopkins-like syndrome 2 (PTHSL2). Identifiers: Orphanet 221150, Orphanet 600663, MedGen C3280479, MONDO:0013690, OMIM 614325.

Allele frequency attached by ClinVar (database versions not stated): gnomAD exomes below 0.00001 and 0.00002; ExAC 0.00002.
gnomAD v4.1: 7 of 1,614,106 alleles (0.00043%); highest among the groups gnomAD compares: East Asian, 0.0045%; no homozygotes.

Submission:

Labcorp Genetics (formerly Invitae), Labcorp
Classification: Uncertain significance for Pitt-Hopkins-like syndrome 2. Last evaluated: 2025-06-29. Review status: criteria provided, single submitter. Criteria: Invitae Variant Classification Sherloc (09022015). Collection method: clinical testing. Allele origin: germline.
Comment: This sequence change replaces alanine, which is neutral and non-polar, with threonine, which is neutral and polar, at codon 1482 of the NRXN1 protein (p.Ala1482Thr). This variant is present in population databases (rs760815320, gnomAD 0.01%). This variant has not been reported in the literature in individuals affected with NRXN1-related conditions. ClinVar contains an entry for this variant (Variation ID: 969481). Invitae Evidence Modeling of protein sequence and biophysical properties (such as structural, functional, and spatial information, amino acid conservation, physicochemical variation, residue mobility, and thermodynamic stability) indicates that this missense variant is not expected to disrupt NRXN1 protein function with a negative predictive value of 80%. In summary, the available evidence is currently insufficient to determine the role of this variant in disease. Therefore, it has been classified as a Variant of Uncertain Significance.

NM_001330078.2(NRXN1):c.4324G>A (p.Ala1442Thr)

Gene: NRXN1 (neurexin 1; minus strand). Cytogenetic location: 2p16.3.
Variant type: single nucleotide variant.
Coding change: c.4324G>A on transcript NM_001330078.2 (MANE Select); coding-DNA position 4324, G replaced by A.
Protein change: p.Ala1442Thr; replaces alanine 1442 with threonine.
Molecular consequence: missense variant.
Genome position (GRCh38, 1-based): chr2:49,922,144, C>T on the plus strand (G>A on the coding strand, the complement: NRXN1 is on the minus strand). VCF-style: chr2-49922144-C-T. GRCh37 (hg19) VCF-style: chr2-50149282-C-T.
Other names: c.4444G>A, p.Ala1482Thr (NM_001135659.3); c.229G>A, p.Ala77Thr (NM_001320156.4); c.220G>A, p.Ala74Thr (NM_001320157.4); c.4300G>A, p.Ala1434Thr (NM_001330077.2); c.4291G>A, p.Ala1431Thr (NM_001330082.2); c.4159G>A, p.Ala1387Thr (NM_001330083.2); c.4258G>A, p.Ala1420Thr (NM_001330084.2); c.4297G>A, p.Ala1433Thr (NM_001330085.2); and 12 more; short protein forms A1433T, A1442T, A404T, A77T, A1382T, A1412T, A1431T, A1482T.
Identifiers: ClinVar variation 969481 (VCV000969481.9), dbSNP rs760815320, ClinGen allele CA1654221.